The following is an entry in ClinVar:

NM_052947.4(ALPK2):c.688T>C (p.Cys230Arg)

Genes: ALPK2 (alpha kinase 2; minus strand), LOC114803473 (ALPK2 eExon liver enhancer; plus strand). Cytogenetic location: 18q21.31.
Variant type: single nucleotide variant.
Coding change: c.688T>C on transcript NM_052947.4 (MANE Select); coding-DNA position 688, T replaced by C.
Protein change: p.Cys230Arg; replaces cysteine 230 with arginine.
Molecular consequence: missense variant.
Genome position (GRCh38, 1-based): chr18:58,580,088, A>G on the plus strand (T>C on the coding strand, the complement: ALPK2 is on the minus strand). VCF-style: chr18-58580088-A-G. GRCh37 (hg19) VCF-style: chr18-56247320-A-G.
Other names: short protein forms C230R.
Identifiers: ClinVar variation 1756004 (VCV001756004.3), dbSNP rs1367177100, ClinGen allele CA402567429.

ClinVar aggregate classification (germline): Uncertain significance (1 of 4 stars; one submission).

Allele frequency attached by ClinVar (database versions not stated): gnomAD exomes below 0.00001; gnomAD 0.00001; TOPMed 0.00002.
gnomAD v4.1: 5 of 1,614,164 alleles (0.00031%); highest among the groups gnomAD compares: African/African-American, 0.0053%; no homozygotes.

Submission:

Ambry Genetics
Classification: Uncertain significance. Last evaluated: 2024-04-30. Review status: criteria provided, single submitter. Criteria: Ambry Variant Classification Scheme 2023. Collection method: clinical testing. Allele origin: germline.
Comment: The p.C230R variant (also known as c.688T>C), located in coding exon 3 of the ALPK2 gene, results from a T to C substitution at nucleotide position 688. The cysteine at codon 230 is replaced by arginine, an amino acid with highly dissimilar properties. This amino acid position is conserved. In addition, this alteration is predicted to be tolerated by in silico analysis. Since supporting evidence is limited at this time, the clinical significance of this alteration remains unclear.